The following is an entry in ClinVar:

NM_001291303.3(FAT4):c.11768G>C (p.Ser3923Thr)

Gene: FAT4 (FAT atypical cadherin 4; plus strand). Cytogenetic location: 4q28.1.
Variant type: single nucleotide variant.
Coding change: c.11768G>C on transcript NM_001291303.3 (MANE Select); coding-DNA position 11768, G replaced by C.
Protein change: p.Ser3923Thr; replaces serine 3923 with threonine.
Molecular consequence: missense variant.
Genome position (GRCh38, 1-based): chr4:125,452,778, G>C. VCF-style: chr4-125452778-G-C. GRCh37 (hg19) VCF-style: chr4-126373933-G-C.
Other names: c.11768G>C, p.Ser3923Thr (NM_001291285.3); c.11762G>C, p.Ser3921Thr (NM_024582.6); short protein forms S3921T, S3923T.
Identifiers: ClinVar variation 2106283 (VCV002106283.4), dbSNP rs751299392, ClinGen allele CA358164102.

ClinVar aggregate classification (germline): Uncertain significance (1 of 4 stars; one submission).

Submission:

Labcorp Genetics (formerly Invitae), Labcorp
Classification: Uncertain significance. Last evaluated: 2022-06-08. Review status: criteria provided, single submitter. Criteria: Invitae Variant Classification Sherloc (09022015). Collection method: clinical testing. Allele origin: germline.
Comment: In summary, the available evidence is currently insufficient to determine the role of this variant in disease. Therefore, it has been classified as a Variant of Uncertain Significance. Advanced modeling of protein sequence and biophysical properties (such as structural, functional, and spatial information, amino acid conservation, physicochemical variation, residue mobility, and thermodynamic stability) performed at Invitae indicates that this missense variant is not expected to disrupt FAT4 protein function. This variant has not been reported in the literature in individuals affected with FAT4-related conditions. This variant is not present in population databases (gnomAD no frequency). This sequence change replaces serine, which is neutral and polar, with threonine, which is neutral and polar, at codon 3921 of the FAT4 protein (p.Ser3921Thr).